The following is an entry in ClinVar:

NM_001330260.2(SCN8A):c.4444A>G (p.Thr1482Ala)

Gene: SCN8A (sodium voltage-gated channel alpha subunit 8; plus strand). Cytogenetic location: 12q13.13.
Variant type: single nucleotide variant.
Coding change: c.4444A>G on transcript NM_001330260.2 (MANE Select); coding-DNA position 4444, A replaced by G.
Protein change: p.Thr1482Ala; replaces threonine 1482 with alanine.
Molecular consequence: missense variant.
Genome position (GRCh38, 1-based): chr12:51,790,422, A>G. VCF-style: chr12-51790422-A-G. GRCh37 (hg19) VCF-style: chr12-52184206-A-G.
Other names: c.4321A>G, p.Thr1441Ala (NM_001177984.3, NM_001369788.1); c.4444A>G, p.Thr1482Ala (NM_014191.4); short protein forms T1482A, T1441A.
Identifiers: ClinVar variation 2088183 (VCV002088183.4), dbSNP rs2540308983, ClinGen allele CA384909053.

ClinVar aggregate classification (germline): Uncertain significance (1 of 4 stars; one submission).

Conditions:
Early-infantile DEE. Also called: Ohtahara syndrome; Early infantile epileptic encephalopathy with suppression bursts; Early infantile epileptic encephalopathy. Identifiers: Orphanet 1934, MedGen C0393706, MONDO:0800491.

Submission:

Labcorp Genetics (formerly Invitae), Labcorp
Classification: Uncertain significance for Early-infantile DEE. Last evaluated: 2022-03-24. Review status: criteria provided, single submitter. Criteria: Invitae Variant Classification Sherloc (09022015). Collection method: clinical testing. Allele origin: germline.
Comment: In summary, the available evidence is currently insufficient to determine the role of this variant in disease. Therefore, it has been classified as a Variant of Uncertain Significance. Algorithms developed to predict the effect of missense changes on protein structure and function are either unavailable or do not agree on the potential impact of this missense change (SIFT: "Deleterious"; PolyPhen-2: "Benign"; Align-GVGD: "Class C0"). This variant has not been reported in the literature in individuals affected with SCN8A-related conditions. This variant is not present in population databases (gnomAD no frequency). This sequence change replaces threonine, which is neutral and polar, with alanine, which is neutral and non-polar, at codon 1482 of the SCN8A protein (p.Thr1482Ala).